The following is an entry in ClinVar:

NM_015662.3(IFT172):c.3023A>C (p.Lys1008Thr)

Gene: IFT172 (intraflagellar transport 172; minus strand). Cytogenetic location: 2p23.3.
Variant type: single nucleotide variant.
Coding change: c.3023A>C on transcript NM_015662.3 (MANE Select); coding-DNA position 3023, A replaced by C.
Protein change: p.Lys1008Thr; replaces lysine 1008 with threonine.
Molecular consequence: missense variant.
Genome position (GRCh38, 1-based): chr2:27,457,929, T>G on the plus strand (A>C on the coding strand, the complement: IFT172 is on the minus strand). VCF-style: chr2-27457929-T-G. GRCh37 (hg19) VCF-style: chr2-27680796-T-G.
Other names: short protein forms K1008T.
Identifiers: ClinVar variation 1020487 (VCV001020487.8), dbSNP rs372047259, ClinGen allele CA44493813.

ClinVar aggregate classification (germline): Uncertain significance (1 of 4 stars; one submission).

Conditions:
Short-rib thoracic dysplasia 10 with or without polydactyly (SRTD10). Identifiers: Orphanet 474, MedGen C3810175, MONDO:0014284, OMIM 615630.
Retinitis pigmentosa 71 (RP71). Identifiers: Orphanet 791, MedGen C4225342, MONDO:0014618, OMIM 616394.

gnomAD v4.1: 3 of 1,614,202 alleles (0.00019%); highest among the groups gnomAD compares: African/African-American, 0.0027%; no homozygotes.

Submission:

Labcorp Genetics (formerly Invitae), Labcorp
Classification: Uncertain significance for Retinitis pigmentosa 71; Short-rib thoracic dysplasia 10 with or without polydactyly. Last evaluated: 2025-01-15. Review status: criteria provided, single submitter. Criteria: Invitae Variant Classification Sherloc (09022015). Collection method: clinical testing. Allele origin: germline.
Comment: This sequence change replaces lysine, which is basic and polar, with threonine, which is neutral and polar, at codon 1008 of the IFT172 protein (p.Lys1008Thr). This variant is not present in population databases (gnomAD no frequency). This variant has not been reported in the literature in individuals affected with IFT172-related conditions. ClinVar contains an entry for this variant (Variation ID: 1020487). Invitae Evidence Modeling of protein sequence and biophysical properties (such as structural, functional, and spatial information, amino acid conservation, physicochemical variation, residue mobility, and thermodynamic stability) has been performed for this missense variant. However, the output from this modeling did not meet the statistical confidence thresholds required to predict the impact of this variant on IFT172 protein function. In summary, the available evidence is currently insufficient to determine the role of this variant in disease. Therefore, it has been classified as a Variant of Uncertain Significance.